The following is an entry in ClinVar:

ClinVar aggregate classification (germline): Uncertain significance (1 of 4 stars; one submission).

Conditions:
Developmental and epileptic encephalopathy, 30 (DEE30). Also called: Epileptic encephalopathy, early infantile, 30. Identifiers: MedGen C4225360, MONDO:0014595, OMIM 616341.

Submission:

Labcorp Genetics (formerly Invitae), Labcorp
Classification: Uncertain significance for Developmental and epileptic encephalopathy, 30. Last evaluated: 2025-09-15. Review status: criteria provided, single submitter. Criteria: Invitae Variant Classification Sherloc (09022015). Collection method: clinical testing. Allele origin: germline.
Comment: This sequence change replaces glycine, which is neutral and non-polar, with cysteine, which is neutral and slightly polar, at codon 624 of the SIK1 protein (p.Gly624Cys). This variant is not present in population databases (gnomAD no frequency). This variant has not been reported in the literature in individuals affected with SIK1-related conditions. Invitae Evidence Modeling of protein sequence and biophysical properties (such as structural, functional, and spatial information, amino acid conservation, physicochemical variation, residue mobility, and thermodynamic stability) indicates that this missense variant is not expected to disrupt SIK1 protein function with a negative predictive value of 95%. In summary, the available evidence is currently insufficient to determine the role of this variant in disease. Therefore, it has been classified as a Variant of Uncertain Significance.

NM_173354.5(SIK1):c.1870G>T (p.Gly624Cys)

Gene: SIK1 (salt inducible kinase 1; minus strand). Cytogenetic location: 21q22.3.
Variant type: single nucleotide variant.
Coding change: c.1870G>T on transcript NM_173354.5 (MANE Select); coding-DNA position 1870, G replaced by T.
Protein change: p.Gly624Cys; replaces glycine 624 with cysteine.
Molecular consequence: missense variant.
Genome position (GRCh38, 1-based): chr21:43,417,649, C>A on the plus strand (G>T on the coding strand, the complement: SIK1 is on the minus strand). VCF-style: chr21-43417649-C-A. GRCh37 (hg19) VCF-style: chr21-44837529-C-A.
Other names: short protein forms G624C.
Identifiers: ClinVar variation 4693313 (VCV004693313.1).